The following is an entry in ClinVar:

ClinVar aggregate classification (germline): Uncertain significance. Review status: criteria provided, multiple submitters, no conflicts (2 of 4 stars). 2 submissions from 2 submitters: Uncertain significance (2). Last evaluated 2023-06-01.

Conditions:
Inborn genetic diseases. Identifiers: MedGen C0950123, MeSH D030342.

Submissions (2):

CeGaT Center for Human Genetics Tuebingen
Classification: Uncertain significance. Last evaluated: 2023-06-01. Review status: criteria provided, single submitter. Criteria: CeGaT Center For Human Genetics Tuebingen Variant Classification Criteria Version 2. Collection method: clinical testing. Allele origin: germline. Affected: yes. Observed: 1 variant allele.
Comment: KCNMA1: PM2

Ambry Genetics
Classification: Uncertain significance for Inborn genetic diseases. Last evaluated: 2022-02-28. Review status: criteria provided, single submitter. Criteria: Ambry Variant Classification Scheme 2023. Collection method: clinical testing. Allele origin: germline.
Comment: The c.24_56del33 (p.G10_G20del) alteration is located in exon 1 (coding exon 1) of the KCNMA1 gene. This alteration consists of an in-frame deletion of 33 nucleotides between nucleotide positions c.24 and c.56, resulting in the deletion of <NA> residues. Based on insufficient or conflicting evidence, the clinical significance of this alteration remains unclear.

NM_001161352.2(KCNMA1):c.24_56del (p.Gly10_Gly20del)

Gene: KCNMA1 (potassium calcium-activated channel subfamily M alpha 1; minus strand). Cytogenetic location: 10q22.3.
Variant type: Deletion.
Coding change: c.24_56del on transcript NM_001161352.2 (MANE Select); coding-DNA positions 24 to 56, 33 bases deleted.
Protein change: p.Gly10_Gly20del.
Molecular consequence: inframe deletion. On other transcripts: inframe indel (1).
Genome position (GRCh38, 1-based): chr10:77,637,587-77,637,619, 33 bases deleted; deleting any 33 consecutive bases within chr10:77,637,587-77,637,630 gives the same sequence; the c. name uses the placement nearest the transcript's 3' end. GRCh37 (hg19): chr10:79,397,356-79,397,388.
Other names: c.24_56del, p.Gly10_Gly20del (NM_001014797.3, NM_001161353.2, NM_001271518.2 and 12 more transcripts); c.13_45del33, p.Gly10_Gly20del (NM_001410940.1).
Identifiers: ClinVar variation 2277597 (VCV002277597.26), dbSNP rs1163075445, ClinGen allele CA2580082005.